The following is an entry in ClinVar:

ClinVar aggregate classification (germline): Likely pathogenic (1 of 4 stars; one submission).

Submission:

Labcorp Genetics (formerly Invitae), Labcorp
Classification: Likely pathogenic. Last evaluated: 2024-12-16. Review status: criteria provided, single submitter. Criteria: Invitae Variant Classification Sherloc (09022015). Collection method: clinical testing. Allele origin: germline.
Comment: This sequence change affects an acceptor splice site in intron 7 of the LRPPRC gene. It is expected to disrupt RNA splicing. Variants that disrupt the donor or acceptor splice site typically lead to a loss of protein function (PMID: 16199547), and loss-of-function variants in LRPPRC are known to be pathogenic (PMID: 26510951). This variant is not present in population databases (gnomAD no frequency). This variant has not been reported in the literature in individuals affected with LRPPRC-related conditions. ClinVar contains an entry for this variant (Variation ID: 2080748). Algorithms developed to predict the effect of sequence changes on RNA splicing suggest that this variant may disrupt the consensus splice site. In summary, the currently available evidence indicates that the variant is pathogenic, but additional data are needed to prove that conclusively. Therefore, this variant has been classified as Likely Pathogenic.

Literature cited by the submitters: PubMed 16199547; PubMed 26510951.

NM_133259.4(LRPPRC):c.865-2A>G

Gene: LRPPRC (leucine rich pentatricopeptide repeat containing; minus strand). Cytogenetic location: 2p21.
Variant type: single nucleotide variant.
Coding change: c.865-2A>G on transcript NM_133259.4 (MANE Select); the canonical splice acceptor site of the intron before coding-DNA position 865, A replaced by G.
Molecular consequence: splice acceptor variant.
Genome position (GRCh38, 1-based): chr2:43,974,760, T>C on the plus strand (A>G on the coding strand, the complement: LRPPRC is on the minus strand). VCF-style: chr2-43974760-T-C. GRCh37 (hg19) VCF-style: chr2-44201899-T-C.
Identifiers: ClinVar variation 2080748 (VCV002080748.4), dbSNP rs2466666587, ClinGen allele CA346673973.
Genomic context (GRCh38, chr2:43,974,760, plus strand): 5'-ATTTGCAGTAAATCACGGTCCATAAGGTGAAGCTCGGACTTCTCCACCTTCTCCAGAGTC[T>C]ATAGAGAGTTCCAGAAATTAGAAGACAAAGTTAGAGTGTTTTTATTTAAGTATTAAAGCT-3'